The following is an entry in ClinVar:

ClinVar aggregate classification (germline): Pathogenic/Likely pathogenic. Review status: criteria provided, multiple submitters, no conflicts (2 of 4 stars). 5 submissions from 5 submitters: Pathogenic (2); Likely pathogenic (2). 1 of the submissions does not count toward it. Last evaluated 2025-11-14.

Conditions:
Wilson disease (WND). Also called: Wilson's disease. Identifiers: Orphanet 905, MedGen C0019202, MONDO:0010200, OMIM 277900. Disease mechanism: loss of function.

Allele frequency attached by ClinVar (database versions not stated): gnomAD exomes below 0.00001; ExAC 0.00002.
gnomAD v4.1: 1 of 1,614,270 alleles (0.000062%); highest among the groups gnomAD compares: Admixed American, 0.0017%; no homozygotes.

Submissions (5):

Natera, Inc.
Classification: Pathogenic for Wilson disease. Last evaluated: 2025-11-14. Review status: criteria provided, single submitter. Criteria: Natera Variant Classification Schema (03/2026). Collection method: clinical testing. Allele origin: germline.
Comment: The c.3836A>G variant in ATP7B is a missense variant predicted to cause substitution of aspartic acid to glycine at amino acid 1279. This variant is rare in the general population with a frequency below the threshold expected for the associated phenotype(s). This variant has been observed in one or more individuals affected with the associated recessive disease, as either homozygous or compound heterozygous with a second variant (PMID: 39178787, 34539730, 34002136). Computational prediction algorithms indicate this variant is likely to affect gene or protein function. Given the available evidence, this variant is classified as Pathogenic.

Labcorp Genetics (formerly Invitae), Labcorp
Classification: Pathogenic for Wilson disease. Last evaluated: 2022-07-21. Review status: criteria provided, single submitter. Criteria: Invitae Variant Classification Sherloc (09022015). Collection method: clinical testing. Allele origin: germline.
Comment: For these reasons, this variant has been classified as Pathogenic. Advanced modeling of protein sequence and biophysical properties (such as structural, functional, and spatial information, amino acid conservation, physicochemical variation, residue mobility, and thermodynamic stability) performed at Invitae indicates that this missense variant is expected to disrupt ATP7B protein function. ClinVar contains an entry for this variant (Variation ID: 553495). This missense change has been observed in individual(s) with clinical features of Wilson disease (PMID: 11043508, 27022412, 27982432, 34470610, 34539730). In at least one individual the data is consistent with being in trans (on the opposite chromosome) from a pathogenic variant. This variant is present in population databases (rs778914828, gnomAD 0.003%). This sequence change replaces aspartic acid, which is acidic and polar, with glycine, which is neutral and non-polar, at codon 1279 of the ATP7B protein (p.Asp1279Gly).

Genome-Nilou Lab
Classification: Likely pathogenic for Wilson disease. Last evaluated: 2021-08-10. Review status: criteria provided, single submitter. Criteria: ACMG Guidelines, 2015. Collection method: clinical testing. Allele origin: germline. Affected: no.

Beijing Key Laboratry for Genetics of Birth Defects, Beijing Children's Hospital
Classification: Likely pathogenic for Wilson disease. Last evaluated: 2020-02-28. Review status: criteria provided, single submitter. Criteria: ACMG Guidelines, 2015. Collection method: clinical testing. Allele origin: germline. Affected: yes. Observed: 1 variant allele.

Counsyl
Classification: Uncertain significance for Wilson disease. Last evaluated: 2017-08-22. Review status: no assertion criteria provided. Collection method: clinical testing. Allele origin: unknown. Not counted in ClinVar's aggregate classification.

Literature cited by the submitters: PubMed 39178787 (cited by Natera, Inc.); PubMed 34539730 (cited by Natera, Inc. and Labcorp Genetics (formerly Invitae), Labcorp); PubMed 34002136 (cited by Natera, Inc.); PubMed 11043508 (cited by Labcorp Genetics (formerly Invitae), Labcorp and Counsyl); PubMed 27022412 (cited by Labcorp Genetics (formerly Invitae), Labcorp and Counsyl); PubMed 27982432 (cited by Labcorp Genetics (formerly Invitae), Labcorp); PubMed 34470610 (cited by Labcorp Genetics (formerly Invitae), Labcorp); PubMed 24253677 (cited by Counsyl); PubMed 22692182 (cited by Counsyl).

NM_000053.4(ATP7B):c.3836A>G (p.Asp1279Gly)

Gene: ATP7B (ATPase copper transporting beta; minus strand). Cytogenetic location: 13q14.3.
Variant type: single nucleotide variant.
Coding change: c.3836A>G on transcript NM_000053.4 (MANE Select); coding-DNA position 3836, A replaced by G.
Protein change: p.Asp1279Gly; replaces aspartic acid 1279 with glycine.
Molecular consequence: missense variant.
Genome position (GRCh38, 1-based): chr13:51,937,543, T>C on the plus strand (A>G on the coding strand, the complement: ATP7B is on the minus strand). VCF-style: chr13-51937543-T-C. GRCh37 (hg19) VCF-style: chr13-52511679-T-C.
Other names: c.3215A>G, p.Asp1072Gly (NM_001005918.3); c.3503A>G, p.Asp1168Gly (NM_001243182.2); c.3602A>G, p.Asp1201Gly (NM_001330578.2); c.3584A>G, p.Asp1195Gly (NM_001330579.2); short protein forms D1279G, D1168G, D1072G, D1195G, D1201G.
Identifiers: ClinVar variation 553495 (VCV000553495.13), dbSNP rs778914828, ClinGen allele CA6988563.